The following is an entry in ClinVar:

ClinVar aggregate classification (germline): Likely pathogenic (1 of 4 stars; one submission).

Conditions:
Dilated cardiomyopathy 1G (CMD1G). Identifiers: Orphanet 154, MedGen C1858763, MONDO:0011400, OMIM 604145.
Autosomal recessive limb-girdle muscular dystrophy type 2J (LGMDR10). Also called: Limb-girdle muscular dystrophy, type 2J; MUSCULAR DYSTROPHY, LIMB-GIRDLE, AUTOSOMAL RECESSIVE 10. Identifiers: Orphanet 140922, MedGen C1837342, MONDO:0012127, OMIM 608807.

Submission:

Labcorp Genetics (formerly Invitae), Labcorp
Classification: Likely pathogenic for Dilated cardiomyopathy 1G; Autosomal recessive limb-girdle muscular dystrophy type 2J. Last evaluated: 2019-10-31. Review status: criteria provided, single submitter. Criteria: Invitae Variant Classification Sherloc (09022015). Collection method: clinical testing. Allele origin: germline.
Comment: This variant is located in the A band of TTN (PMID: 25589632). Truncating variants in this region are significantly overrepresented in patients affected with dilated cardiomyopathy (PMID: 25589632). Truncating variants in this region have also been reported in individuals affected with autosomal recessive centronuclear myopathy (PMID: 23975875). This sequence change results in a premature translational stop signal in the TTN gene (p.Asp21528Argfs*4). While this is not anticipated to result in nonsense mediated decay, it is expected to create a truncated TTN protein. This variant is not present in population databases (ExAC no frequency). This variant has not been reported in the literature in individuals with TTN-related conditions. In summary, the currently available evidence indicates that the variant is pathogenic, but additional data are needed to prove that conclusively. Therefore, this variant has been classified as Likely Pathogenic.

Literature cited by the submitters: PubMed 25589632; PubMed 23975875.

NM_001267550.2(TTN):c.64577dup (p.Asp21528fs)

Genes: TTN-AS1 (TTN antisense RNA 1; plus strand), TTN (titin; minus strand). Cytogenetic location: 2q31.2.
Variant type: Duplication.
Coding change: c.64577dup on transcript NM_001267550.2 (MANE Select); coding-DNA position 64577, one base duplicated (T; older notation c.64577dupT).
Protein change: p.Asp21528fs; shifts the reading frame from aspartic acid 21528.
Molecular consequence: frameshift variant.
Genome position (GRCh38, 1-based): chr2:178,585,167, A duplicated on the plus strand (T on the coding strand, the reverse complement: TTN is on the minus strand). VCF-style (leftmost placement, unchanged base first): chr2-178585166-T-TA. GRCh37 (hg19) VCF-style: chr2-179449893-T-TA.
Other names: c.59654dup, p.Asp19887fs (NM_001256850.1); c.37382dup, p.Asp12463fs (NM_003319.4); c.56873dup, p.Asp18960fs (NM_133378.4); c.37757dup, p.Asp12588fs (NM_133432.3); c.37958dup, p.Asp12655fs (NM_133437.4); short protein forms D19887fs, D18960fs, D21528fs, D12655fs, D12463fs, D12588fs.
Identifiers: ClinVar variation 955978 (VCV000955978.10), dbSNP rs2048654277, ClinGen allele CA1139657440.